The following is an entry in ClinVar:

ClinVar aggregate classification (germline): Pathogenic/Likely pathogenic. Review status: criteria provided, multiple submitters, no conflicts (2 of 4 stars). 3 submissions from 3 submitters: Pathogenic (2); Likely pathogenic (1). Last evaluated 2025-04-08.

Conditions:
Okur-Chung neurodevelopmental syndrome (OCNDS). Identifiers: Orphanet 689422, MedGen C4310739, MONDO:0014893, OMIM 617062.

Submissions (3):

Centre for Clinical Genetics and Genomic Diagnostics, Zealand University Hospital
Classification: Pathogenic. Last evaluated: 2025-04-08. Review status: criteria provided, single submitter. Criteria: ACMG Guidelines, 2015. Collection method: clinical testing. Allele origin: de novo. Affected: yes.

Center of Human Genetics, Hôpital Erasme
Classification: Likely pathogenic for Okur-Chung neurodevelopmental syndrome. Last evaluated: 2025-01-01. Review status: criteria provided, single submitter. Criteria: ACMG Guidelines, 2015. Collection method: clinical testing. Allele origin: unknown. Affected: yes.

GeneDx
Classification: Pathogenic. Last evaluated: 2024-05-08. Review status: criteria provided, single submitter. Criteria: GeneDx Variant Classification Process June 2021. Collection method: clinical testing. Allele origin: germline. Affected: yes.
Comment: Not observed at significant frequency in large population cohorts (gnomAD); In silico analysis supports that this missense variant has a deleterious effect on protein structure/function; This variant is associated with the following publications: (PMID: 37491870, 33057194, 36368308, 35982159, 34038195, 38357263, 36310603, 35693553, 38444259, 36588763, 33944995, 29240241)

NM_177559.3(CSNK2A1):c.79G>A (p.Glu27Lys)

Gene: CSNK2A1 (casein kinase 2 alpha 1; minus strand). Cytogenetic location: 20p13.
Variant type: single nucleotide variant.
Coding change: c.79G>A on transcript NM_177559.3 (MANE Select); coding-DNA position 79, G replaced by A.
Protein change: p.Glu27Lys; replaces glutamic acid 27 with lysine.
Molecular consequence: missense variant. On other transcripts: intron variant (1).
Genome position (GRCh38, 1-based): chr20:508,473, C>T on the plus strand (G>A on the coding strand, the complement: CSNK2A1 is on the minus strand). VCF-style: chr20-508473-C-T. GRCh37 (hg19) VCF-style: chr20-489117-C-T.
Other names: c.79G>A, p.Glu27Lys (NM_001895.4, NM_001362770.2, NM_001362771.2); c.-307-3244G>A (NM_177560.3); short protein forms E27K.
Identifiers: ClinVar variation 3375742 (VCV003375742.3).